The following is an entry in ClinVar:

ClinVar aggregate classification (germline): Uncertain significance (1 of 4 stars; one submission).

gnomAD v4.1: 30 of 1,614,004 alleles (0.0019%); highest among the groups gnomAD compares: Non-Finnish European, 0.0024%; no homozygotes.

Submission:

GeneDx
Classification: Uncertain significance. Last evaluated: 2025-11-19. Review status: criteria provided, single submitter. Criteria: GeneDx Variant Classification Process June 2021. Collection method: clinical testing. Allele origin: germline.
Comment: In silico analysis supports that this missense variant has a deleterious effect on protein structure/function; Has not been previously published as pathogenic or benign to our knowledge

NM_003632.3(CNTNAP1):c.2330G>A (p.Arg777His)

Gene: CNTNAP1 (contactin associated protein 1; plus strand). Cytogenetic location: 17q21.2.
Variant type: single nucleotide variant.
Coding change: c.2330G>A on transcript NM_003632.3 (MANE Select); coding-DNA position 2330, G replaced by A.
Protein change: p.Arg777His; replaces arginine 777 with histidine.
Molecular consequence: missense variant.
Genome position (GRCh38, 1-based): chr17:42,691,497, G>A. VCF-style: chr17-42691497-G-A. GRCh37 (hg19) VCF-style: chr17-40843515-G-A.
Other names: short protein forms R777H.
Identifiers: ClinVar variation 4055871 (VCV004055871.2).